The following is an entry in ClinVar:

NM_003730.6(RNASET2):c.763_*4del (p.Lys255fs)

Gene: RNASET2 (ribonuclease T2; minus strand). Cytogenetic location: 6q27.
Variant type: Deletion.
Coding change: c.763_*4del on transcript NM_003730.6 (MANE Select); coding-DNA position 763 through 4 bases downstream of the stop codon, 13 bases deleted (AAGCATTGATGCC).
Protein change: p.Lys255fs; shifts the reading frame from lysine 255.
Molecular consequence: frameshift variant.
Genome position (GRCh38, 1-based): chr6:166,929,584-166,929,596, GGCATCAATGCTT deleted on the plus strand (AAGCATTGATGCC on the coding strand, the reverse complement: RNASET2 is on the minus strand); deleting any 13 consecutive bases within chr6:166,929,584-166,929,598 gives the same sequence; the c. name uses the placement nearest the transcript's 3' end. VCF-style (leftmost placement, unchanged base first): chr6-166929583-GGGCATCAATGCTT-G. GRCh37 (hg19) VCF-style: chr6-167343071-GGGCATCAATGCTT-G.
Other names: short protein forms K255fs.
Identifiers: ClinVar variation 1359562 (VCV001359562.6), dbSNP rs2128643582, ClinGen allele CA2573140712.

ClinVar aggregate classification (germline): Uncertain significance (1 of 4 stars; one submission).

Submission:

Labcorp Genetics (formerly Invitae), Labcorp
Classification: Uncertain significance. Last evaluated: 2021-12-02. Review status: criteria provided, single submitter. Criteria: Invitae Variant Classification Sherloc (09022015). Collection method: clinical testing. Allele origin: germline.
Comment: In summary, the available evidence is currently insufficient to determine the role of this variant in disease. Therefore, it has been classified as a Variant of Uncertain Significance. This variant has not been reported in the literature in individuals affected with RNASET2-related conditions. This variant is not present in population databases (gnomAD no frequency). This sequence change results in a frameshift in the RNASET2 gene (p.Lys255Glnfs*). While this is not anticipated to result in nonsense mediated decay, it is expected to disrupt the last 2 amino acid(s) of the RNASET2 protein and extend the protein by 20 additional amino acid residues.